The following is an entry in ClinVar:

ClinVar aggregate classification (germline): Uncertain significance (1 of 4 stars; one submission).

Conditions:
Noonan syndrome 8 (NS8). Identifiers: Orphanet 648, MedGen C3809233, MONDO:0014143, OMIM 615355.

Submission:

Labcorp Genetics (formerly Invitae), Labcorp
Classification: Uncertain significance for Noonan syndrome 8. Last evaluated: 2023-02-11. Review status: criteria provided, single submitter. Criteria: Invitae Variant Classification Sherloc (09022015). Collection method: clinical testing. Allele origin: germline.
Comment: In summary, the available evidence is currently insufficient to determine the role of this variant in disease. Therefore, it has been classified as a Variant of Uncertain Significance. Advanced modeling of protein sequence and biophysical properties (such as structural, functional, and spatial information, amino acid conservation, physicochemical variation, residue mobility, and thermodynamic stability) performed at Invitae indicates that this missense variant is expected to disrupt RIT1 protein function. This variant has not been reported in the literature in individuals affected with RIT1-related conditions. This variant is not present in population databases (gnomAD no frequency). This sequence change replaces methionine, which is neutral and non-polar, with valine, which is neutral and non-polar, at codon 85 of the RIT1 protein (p.Met85Val).

NM_006912.6(RIT1):c.253A>G (p.Met85Val)

Gene: RIT1 (Ras like without CAAX 1; minus strand). Cytogenetic location: 1q22.
Variant type: single nucleotide variant.
Coding change: c.253A>G on transcript NM_006912.6 (MANE Select); coding-DNA position 253, A replaced by G.
Protein change: p.Met85Val; replaces methionine 85 with valine.
Molecular consequence: missense variant.
Genome position (GRCh38, 1-based): chr1:155,904,487, T>C on the plus strand (A>G on the coding strand, the complement: RIT1 is on the minus strand). VCF-style: chr1-155904487-T-C. GRCh37 (hg19) VCF-style: chr1-155874278-T-C.
Other names: c.145A>G, p.Met49Val (NM_001256820.2); c.304A>G, p.Met102Val (NM_001256821.2); short protein forms M102V, M85V, M49V.
Identifiers: ClinVar variation 2836266 (VCV002836266.3), dbSNP rs1673390942, ClinGen allele CA342802900.